The following is an entry in ClinVar:

NM_001440.4(EXTL3):c.2305G>C (p.Val769Leu)

Gene: EXTL3 (exostosin like glycosyltransferase 3; plus strand). Cytogenetic location: 8p21.1.
Variant type: single nucleotide variant.
Coding change: c.2305G>C on transcript NM_001440.4 (MANE Select); coding-DNA position 2305, G replaced by C.
Protein change: p.Val769Leu; replaces valine 769 with leucine.
Molecular consequence: missense variant. On other transcripts: non-coding transcript variant (1).
Genome position (GRCh38, 1-based): chr8:28,737,547, G>C. VCF-style: chr8-28737547-G-C. GRCh37 (hg19) VCF-style: chr8-28595064-G-C.
Other names: c.2305G>C (NM_001440.3); short protein forms V769L.
Identifiers: ClinVar variation 1716022 (VCV001716022.7), dbSNP rs769361447, ClinGen allele CA370864327.

ClinVar aggregate classification (germline): Uncertain significance. Review status: criteria provided, multiple submitters, no conflicts (2 of 4 stars). 2 submissions from 2 submitters: Uncertain significance (2). Last evaluated 2024-07-10.

Submissions (2):

GeneDx
Classification: Uncertain significance. Last evaluated: 2024-07-10. Review status: criteria provided, single submitter. Criteria: GeneDx Variant Classification Process June 2021. Collection method: clinical testing. Allele origin: germline.
Comment: Not observed at significant frequency in large population cohorts (gnomAD); In silico analysis supports that this missense variant has a deleterious effect on protein structure/function; This variant is associated with the following publications: (PMID: Alqahtani2024[Posterabstract], 39215781)

Labcorp Genetics (formerly Invitae), Labcorp
Classification: Uncertain significance. Last evaluated: 2022-09-13. Review status: criteria provided, single submitter. Criteria: Invitae Variant Classification Sherloc (09022015). Collection method: clinical testing. Allele origin: germline.
Comment: This sequence change replaces valine, which is neutral and non-polar, with leucine, which is neutral and non-polar, at codon 769 of the EXTL3 protein (p.Val769Leu). This variant is not present in population databases (gnomAD no frequency). This variant has not been reported in the literature in individuals affected with EXTL3-related conditions. Algorithms developed to predict the effect of missense changes on protein structure and function (SIFT, PolyPhen-2, Align-GVGD) all suggest that this variant is likely to be disruptive. In summary, the available evidence is currently insufficient to determine the role of this variant in disease. Therefore, it has been classified as a Variant of Uncertain Significance.